The following is an entry in ClinVar:

ClinVar aggregate classification (germline): Uncertain significance (1 of 4 stars; one submission).

Conditions:
Early-onset Lafora body disease. Also called: Epilepsy, progressive myoclonic, 10. Identifiers: Orphanet 324290, MedGen C4225258, MONDO:0014717, OMIM 616640.

Allele frequency attached by ClinVar (database versions not stated): gnomAD exomes below 0.00001 and 0.00002; ExAC 0.00001; TOPMed 0.00001; gnomAD 0.00003.

Submission:

Labcorp Genetics (formerly Invitae), Labcorp
Classification: Uncertain significance for Early-onset Lafora body disease. Last evaluated: 2022-01-11. Review status: criteria provided, single submitter. Criteria: Invitae Variant Classification Sherloc (09022015). Collection method: clinical testing. Allele origin: germline.
Comment: This sequence change replaces serine, which is neutral and polar, with glycine, which is neutral and non-polar, at codon 253 of the PRDM8 protein (p.Ser253Gly). This variant is not present in population databases (gnomAD no frequency). This variant has not been reported in the literature in individuals affected with PRDM8-related conditions. ClinVar contains an entry for this variant (Variation ID: 954722). Algorithms developed to predict the effect of missense changes on protein structure and function output the following: SIFT: "Tolerated"; PolyPhen-2: "Benign"; Align-GVGD: "Class C0". The glycine amino acid residue is found in multiple mammalian species, which suggests that this missense change does not adversely affect protein function. In summary, the available evidence is currently insufficient to determine the role of this variant in disease. Therefore, it has been classified as a Variant of Uncertain Significance.

NM_001099403.2(PRDM8):c.757A>G (p.Ser253Gly)

Gene: PRDM8 (PR/SET domain 8; plus strand). Cytogenetic location: 4q21.21.
Variant type: single nucleotide variant.
Coding change: c.757A>G on transcript NM_001099403.2 (MANE Select); coding-DNA position 757, A replaced by G.
Protein change: p.Ser253Gly; replaces serine 253 with glycine.
Molecular consequence: missense variant.
Genome position (GRCh38, 1-based): chr4:80,202,219, A>G. VCF-style: chr4-80202219-A-G. GRCh37 (hg19) VCF-style: chr4-81123373-A-G.
Other names: c.757A>G, p.Ser253Gly (NM_020226.4); short protein forms S253G.
Identifiers: ClinVar variation 954722 (VCV000954722.7), dbSNP rs749501319, ClinGen allele CA2982323.